The following is an entry in ClinVar:

ClinVar aggregate classification (germline): Uncertain significance (1 of 4 stars; one submission).

Allele frequency attached by ClinVar (database versions not stated): gnomAD exomes below 0.00001; gnomAD 0.00001; TOPMed 0.00001; 1000 Genomes Project 30x 0.00016; 1000 Genomes Project 0.00020.
gnomAD v4.1: 3 of 1,551,756 alleles (0.00019%); highest among the groups gnomAD compares: East Asian, 0.0024%; no homozygotes.

Submission:

Labcorp Genetics (formerly Invitae), Labcorp
Classification: Uncertain significance. Last evaluated: 2025-08-11. Review status: criteria provided, single submitter. Criteria: Invitae Variant Classification Sherloc (09022015). Collection method: clinical testing. Allele origin: germline.
Comment: This sequence change replaces asparagine, which is neutral and polar, with histidine, which is basic and polar, at codon 2830 of the EYS protein (p.Asn2830His). This variant is present in population databases (rs565204525, gnomAD 0.01%). This variant has not been reported in the literature in individuals affected with EYS-related conditions. ClinVar contains an entry for this variant (Variation ID: 2150712). Invitae Evidence Modeling of protein sequence and biophysical properties (such as structural, functional, and spatial information, amino acid conservation, physicochemical variation, residue mobility, and thermodynamic stability) indicates that this missense variant is not expected to disrupt EYS protein function with a negative predictive value of 80%. In summary, the available evidence is currently insufficient to determine the role of this variant in disease. Therefore, it has been classified as a Variant of Uncertain Significance.

NM_001142800.2(EYS):c.8488A>C (p.Asn2830His)

Genes: EYS (EGF-like photoreceptor maintenance factor; minus strand), PHF3 (PHD finger protein 3; plus strand). Cytogenetic location: 6q12.
Variant type: single nucleotide variant.
Coding change: c.8488A>C on transcript NM_001142800.2 (MANE Select); coding-DNA position 8488, A replaced by C.
Protein change: p.Asn2830His; replaces asparagine 2830 with histidine.
Molecular consequence: missense variant. On other transcripts: 3 prime UTR variant (5).
Genome position (GRCh38, 1-based): chr6:63,721,543, T>G on the plus strand (A>C on the coding strand, the complement: EYS is on the minus strand). VCF-style: chr6-63721543-T-G. GRCh37 (hg19) VCF-style: chr6-64431439-T-G.
Other names: c.*7835T>G (NM_001290259.2, NM_001370348.2, NM_001370349.2 and 2 more transcripts); c.8551A>C, p.Asn2851His (NM_001292009.2); short protein forms N2830H, N2851H.
Identifiers: ClinVar variation 2150712 (VCV002150712.2), dbSNP rs565204525, ClinGen allele CA140236849.